The following is an entry in ClinVar:

ClinVar aggregate classification (germline): Uncertain significance (1 of 4 stars; one submission).

Conditions:
Neurodevelopmental disorder with hypotonia, language delay, and skeletal defects with or without seizures (NEDHLSS). Identifiers: MedGen C5774213, MONDO:0859286, OMIM 620029.
Long QT syndrome 8. Identifiers: MedGen CN260585, MONDO:0032756, OMIM 618447.
Brugada syndrome 3 (BRGDA3). Identifiers: Orphanet 130, MedGen C2678478, MONDO:0012742, OMIM 611875.
Timothy syndrome (TS). Also called: LONG QT SYNDROME WITH SYNDACTYLY. Identifiers: Orphanet 65283, MedGen C1832916, MeSH C536962, MONDO:0010979, OMIM 601005.

Submission:

Juno Genomics, Hangzhou Juno Genomics, Inc
Classification: Uncertain significance for Neurodevelopmental disorder with hypotonia, language delay, and skeletal defects with or without seizures; Brugada syndrome 3; Long QT syndrome 8; Timothy syndrome. Review status: criteria provided, single submitter. Criteria: ACMG Guidelines, 2015. Collection method: clinical testing. Allele origin: germline.
Comment: Absent from controls (or at extremely low frequency if recessive) in Genome Aggregation Database.;Missense variant in a gene that has a low rate of benign missense variation.;Multiple lines of computational evidence support a deleterious effect on the gene or gene product.

NM_000719.7(CACNA1C):c.4727G>A (p.Gly1576Glu)

Gene: CACNA1C (calcium voltage-gated channel subunit alpha1 C; plus strand). Cytogenetic location: 12p13.33.
Variant type: single nucleotide variant.
Coding change: c.4727G>A on transcript NM_000719.7 (MANE Select); coding-DNA position 4727, G replaced by A.
Protein change: p.Gly1576Glu; replaces glycine 1576 with glutamic acid.
Molecular consequence: missense variant.
Genome position (GRCh38, 1-based): chr12:2,674,541, G>A. VCF-style: chr12-2674541-G-A. GRCh37 (hg19) VCF-style: chr12-2783707-G-A.
Other names: c.4871G>A, p.Gly1624Glu (NM_001129827.2, NM_199460.4); c.4850G>A, p.Gly1617Glu (NM_001129829.2); c.4727G>A, p.Gly1576Glu (NM_001129830.3, NM_001129840.2, NM_001129841.2 and 4 more transcripts); c.4811G>A, p.Gly1604Glu (NM_001129831.2); c.4787G>A, p.Gly1596Glu (NM_001129832.2); c.4784G>A, p.Gly1595Glu (NM_001129833.2, NM_001129834.2, NM_001129835.2); c.4778G>A, p.Gly1593Glu (NM_001129836.2); c.4751G>A, p.Gly1584Glu (NM_001129837.2, NM_001129838.2); and 3 more; short protein forms G1576E, G1595E, G1596E, G1593E, G1582E, G1604E, G1565E, G1573E.
Identifiers: ClinVar variation 5005087 (VCV005005087.2).